The following is an entry in ClinVar:

ClinVar aggregate classification (germline): Conflicting classifications of pathogenicity. Review status: criteria provided, conflicting classifications (1 of 4 stars). 11 submissions from 9 submitters: Uncertain significance (5); Benign (1); Likely benign (4). 1 of the submissions does not count toward it. Last evaluated 2026-01-24.

Conditions:
Cardiomyopathy (CMYO). Also called: Cardiomyopathies. Identifiers: Orphanet 167848, MedGen C0878544, MONDO:0004994, HP:0001638. Inheritance: Various modes of inheritance.
Arrhythmogenic cardiomyopathy with wooly hair and keratoderma. Also called: Dilated cardiomyopathy with woolly hair and keratoderma; Arrhythmogenic cardiomyopathy with woolly hair and keratoderma; PALMOPLANTAR KERATODERMA WITH LEFT VENTRICULAR CARDIOMYOPATHY AND WOOLLY HAIR; Carvajal syndrome. Identifiers: Orphanet 65282, MedGen C1854063, MONDO:0011581, OMIM 605676.
Arrhythmogenic right ventricular dysplasia 8 (ARVD8). Also called: Arrhythmogenic Right Ventricular Dysplasia/Cardiomyopathy 8; ARRHYTHMOGENIC RIGHT VENTRICULAR DYSPLASIA, FAMILIAL, 8; ARRHYTHMOGENIC RIGHT VENTRICULAR CARDIOMYOPATHY 8. Identifiers: MedGen C1843896, MONDO:0011831, OMIM 607450.
Primary dilated cardiomyopathy (DCM). Also called: Dilated Cardiomyopathy. Identifiers: Orphanet 217604, MedGen C0007193, MeSH D002311, MONDO:0005021, HP:0001644. Inheritance: Various modes of inheritance.
Cardiovascular phenotype. Identifiers: MedGen CN230736.
Lethal acantholytic epidermolysis bullosa (EBLA). Identifiers: Orphanet 158687, MedGen C1864826, MONDO:0012323, OMIM 609638.
Woolly hair-skin fragility syndrome (WHSF). Identifiers: Orphanet 293165, MedGen C1843292, MONDO:0957307, OMIM 620415.

Allele frequency attached by ClinVar (database versions not stated): ExAC 0.00006; gnomAD exomes 0.00006 and 0.00007; gnomAD 0.00009; TOPMed 0.00011; 1000 Genomes Project 30x 0.00016; 1000 Genomes Project 0.00020; ESP Exome Variant Server 0.00023.

Submissions (11):

Labcorp Genetics (formerly Invitae), Labcorp
Classification: Likely benign for Arrhythmogenic cardiomyopathy with wooly hair and keratoderma; Arrhythmogenic right ventricular dysplasia 8. Last evaluated: 2026-01-24. Review status: criteria provided, single submitter. Criteria: Invitae Variant Classification Sherloc (09022015). Collection method: clinical testing. Allele origin: germline.

Ambry Genetics
Classification: Uncertain significance for Cardiovascular phenotype. Last evaluated: 2025-10-20. Review status: criteria provided, single submitter. Criteria: Ambry Variant Classification Scheme 2023. Collection method: clinical testing. Allele origin: germline.
Comment: The p.R1838H variant (also known as c.5513G>A), located in coding exon 24 of the DSP gene, results from a G to A substitution at nucleotide position 5513. The arginine at codon 1838 is replaced by histidine, an amino acid with highly similar properties. This variant co-occurred with a second DSP variant in a proband and parent reported to have dilated cardiomyopathy (Garcia-Pavia P et al. Heart. 2011;97:1744-52), and was also detected in an individual reported to have arrhythmogenic right ventricular cardiomyopathy (ARVC) (Chen X et al. Forensic Sci Int. 2017;275:14-22). This variant has also been identified in individuals not known to have ARVC on review of health records (Haggerty CM et al. Genet Med. 2017;11;19(11):1245-1252), and has been detected in an exome cohort (Andreasen C et al. Eur J Hum Genet. 2013;21:918-28). In another study, this variant was detected with other variants in cardiac-related genes in an individual with family history of vascular disease and sudden death (Ashley EA et al. Lancet. 2010;375:1525-35). This amino acid position is well conserved in available vertebrate species. In addition, the in silico prediction for this alteration is inconclusive. Since supporting evidence is limited at this time, the clinical significance of this alteration remains unclear.

All of Us Research Program, National Institutes of Health
Classification: Uncertain significance for Arrhythmogenic cardiomyopathy with wooly hair and keratoderma. Last evaluated: 2024-09-23. Review status: criteria provided, single submitter. Criteria: ACMG Guidelines, 2015. Collection method: clinical testing. Allele origin: germline. Inheritance: Autosomal dominant inheritance. Observed: 47 variant alleles, 47 heterozygotes.
Comment: This missense variant replaces arginine with histidine at codon 1838 of the DSP protein. Computational prediction suggests that this variant may not impact protein structure and function (internally defined REVEL score threshold <= 0.5, PMID: 27666373). To our knowledge, functional studies have not been reported for this variant. This variant has been reported in individuals affected with arrhythmogenic right ventricular cardiomyopathy (PMID: 28288337), dilated cardiomyopathy (PMID: 21859740), hypertrophic cardiomyopathy (PMID: 30775854), unexplained intrauterine fetal death (PMID: 33762593), and in an individual with a family history of atherosclerotic vascular disease and early sudden death (PMID: 20435227). This variant has also been identified in 20/282730 chromosomes in the general population by the Genome Aggregation Database (gnomAD). The available evidence is insufficient to determine the role of this variant in disease conclusively. Therefore, this variant is classified as a Variant of Uncertain Significance.

This study involves interpretation of variants in research participants for the purpose of population health screening. Participant phenotype was not available at the time of variant classification. Additional details can be found in publication PMID: 35346344, PMCID: PMC8962531

Color Diagnostics, LLC DBA Color Health
Classification: Uncertain significance for Cardiomyopathy. Last evaluated: 2024-06-26. Review status: criteria provided, single submitter. Criteria: ACMG Guidelines, 2015. Collection method: clinical testing. Allele origin: germline.
Comment: This missense variant replaces arginine with histidine at codon 1838 of the DSP protein. Computational prediction suggests that this variant may not impact protein structure and function (internally defined REVEL score threshold <= 0.5, PMID: 27666373). To our knowledge, functional studies have not been reported for this variant. This variant has been reported in individuals affected with arrhythmogenic right ventricular cardiomyopathy (PMID: 28288337), dilated cardiomyopathy (PMID: 21859740), hypertrophic cardiomyopathy (PMID: 30775854), unexplained intrauterine fetal death (PMID: 33762593), and in an individual with a family history of atherosclerotic vascular disease and early sudden death (PMID: 20435227). This variant has also been identified in 20/282730 chromosomes in the general population by the Genome Aggregation Database (gnomAD). The available evidence is insufficient to determine the role of this variant in disease conclusively. Therefore, this variant is classified as a Variant of Uncertain Significance.

Women's Health and Genetics/Laboratory Corporation of America, LabCorp
Classification: Uncertain significance. Last evaluated: 2022-12-27. Review status: criteria provided, single submitter. Criteria: LabCorp Variant Classification Summary - May 2015. Collection method: clinical testing. Allele origin: germline.
Comment: Variant summary: DSP c.5513G>A (p.Arg1838His) results in a non-conservative amino acid change in the encoded protein sequence. Three of five in-silico tools predict a benign effect of the variant on protein function. The variant allele was found at a frequency of 7.2e-05 in 251362 control chromosomes. This frequency is not significantly higher than expected for a pathogenic variant in DSP causing Arrhythmogenic Right Ventricular Dysplasia/Cardiomyopathy (7.2e-05 vs 0.0002), allowing no conclusion about variant significance. c.5513G>A has been reported in the literature in individuals affected with DCM, HCM, or unexplained intrauterine fetal death. These reports do not provide unequivocal conclusions about association of the variant with Arrhythmogenic Right Ventricular Dysplasia/Cardiomyopathy. To our knowledge, no experimental evidence demonstrating an impact on protein function has been reported. Five clinical diagnostic laboratories have submitted clinical-significance assessments for this variant to ClinVar after 2014 without evidence for independent evaluation. Multiple laboratories reported the variant with conflicting assessments (Benign n=1, likely benign n=1, VUS n=3). Based on the evidence outlined above, the variant was classified as uncertain significance.

Mendelics
Classification: Benign for Arrhythmogenic cardiomyopathy with wooly hair and keratoderma. Last evaluated: 2019-05-28. Review status: criteria provided, single submitter. Criteria: Mendelics Assertion Criteria 2017. Collection method: clinical testing. Allele origin: unknown.

Illumina Laboratory Services, Illumina
Classification: Likely benign for Arrhythmogenic right ventricular dysplasia 8. Last evaluated: 2017-04-28. Review status: criteria provided, single submitter. Criteria: ICSL Variant Classification Criteria 13 December 2019. Collection method: clinical testing. Allele origin: germline.
Comment: This variant was observed as part of a predisposition screen in an ostensibly healthy population. A literature search was performed for the gene, cDNA change, and amino acid change (where applicable). Publications were found based on this search. The evidence from the literature, in combination with allele frequency data from public databases where available, was sufficient to determine this variant is unlikely to cause disease. Therefore, this variant is classified as likely benign.

Illumina Laboratory Services, Illumina
Classification: Likely benign for Lethal acantholytic epidermolysis bullosa. Last evaluated: 2017-04-28. Review status: criteria provided, single submitter. Criteria: ICSL Variant Classification Criteria 13 December 2019. Collection method: clinical testing. Allele origin: germline.
Comment: This variant was observed as part of a predisposition screen in an ostensibly healthy population. A literature search was performed for the gene, cDNA change, and amino acid change (where applicable). No publications were found based on this search. Allele frequency data from public databases allowed determination this variant is unlikely to cause disease. Therefore, this variant is classified as likely benign.

Illumina Laboratory Services, Illumina
Classification: Likely benign for Arrhythmogenic cardiomyopathy with wooly hair and keratoderma. Last evaluated: 2017-04-28. Review status: criteria provided, single submitter. Criteria: ICSL Variant Classification Criteria 13 December 2019. Collection method: clinical testing. Allele origin: germline.
Comment: the same text as in the submission from Illumina Laboratory Services, Illumina above.

GeneDx
Classification: Uncertain significance. Last evaluated: 2014-05-14. Review status: criteria provided, single submitter. Criteria: GeneDx Variant Classification (06012015). Collection method: clinical testing. Allele origin: germline. Affected: yes.
Comment: The R1838H variant in the DSP gene has been reported in one individual with DCM who also harbored a R907H variant in DSP (Garcia - Pavia P et al., 2011). This individual's parent, who also harbored the R1838H variant, had DCM with fatty infiltrate and fibrosis in the right ventricle. The authors did not report whether the parent harbored R907H. Additionally, R1838H was identified on whole genome sequencing in one individual with a family history of vascular disease and early sudden death (Ashley E et al., 2010). This individual had two other rare variants identified in the TMEM43 and MYPBC3 genes. Furthermore, R1838H was observed in only 3/8600 alleles from individuals of European ancestry in the NHLBI Exome Sequencing Project, indicating it is not a common benign variant in these populations. In silico algorithms are not consistent in their predictions but at least two concur that R1838H is damaging to the protein structure/function. However, R1838H is only a conservative amino acid substitution as these residues share similar properties, and are least likely to impact secondary structure. The R1838 residue is not well conserved across species, and definitive mutations in nearby residues have not been reported, indicating this region of the protein may tolerate change. Therefore, based on the currently available information, it is unclear whether this variant is a pathogenic mutation or a rare benign variant. The variant is found in CARDIOMYOPATHY panel(s).

CSER _CC_NCGL, University of Washington
Classification: Likely benign for Cardiomyopathy, dilated. Last evaluated: 2014-06-01. Review status: no assertion criteria provided. Collection method: research. Allele origin: germline. Inheritance: Autosomal dominant inheritance. Study: ESP 6500 variant annotation. Not counted in ClinVar's aggregate classification.
Comment: Variants classified for the Actionable exomic incidental findings in 6503 participants: challenges of variant classification manuscript

Literature cited by the submitters: PubMed 20435227 (cited by 4 submitters); PubMed 21859740 (cited by 5 submitters); PubMed 23299917 (cited by Ambry Genetics and Illumina Laboratory Services, Illumina); PubMed 25637381 (cited by Ambry Genetics and Illumina Laboratory Services, Illumina); PubMed 28288337 (cited by 3 submitters); PubMed 28471438 (cited by Ambry Genetics); PubMed 30775854 (cited by 3 submitters); PubMed 33762593 (cited by 3 submitters).

NM_004415.4(DSP):c.5513G>A (p.Arg1838His)

Gene: DSP (desmoplakin; plus strand). Cytogenetic location: 6p24.3.
Variant type: single nucleotide variant.
Coding change: c.5513G>A on transcript NM_004415.4 (MANE Select); coding-DNA position 5513, G replaced by A.
Protein change: p.Arg1838His; replaces arginine 1838 with histidine.
Molecular consequence: missense variant.
Genome position (GRCh38, 1-based): chr6:7,582,775, G>A. VCF-style: chr6-7582775-G-A. GRCh37 (hg19) VCF-style: chr6-7583008-G-A.
Other names: p.R1838H:CGT>CAT; c.3716G>A, p.Arg1239His (NM_001008844.3); c.4184G>A, p.Arg1395His (NM_001319034.2); c.5513G>A (LRG_423t1); short protein forms R1239H, R1838H, R1395H.
Identifiers: ClinVar variation 161225 (VCV000161225.25), dbSNP rs377715841, ClinGen allele CA004678.